The following is an entry in ClinVar:

NM_153006.3(NAGS):c.189C>A (p.Tyr63Ter)

Gene: NAGS (N-acetylglutamate synthase; plus strand). Cytogenetic location: 17q21.31.
Variant type: single nucleotide variant.
Coding change: c.189C>A on transcript NM_153006.3 (MANE Select); coding-DNA position 189, C replaced by A.
Protein change: p.Tyr63Ter; replaces tyrosine 63 with a stop codon.
Molecular consequence: nonsense.
Genome position (GRCh38, 1-based): chr17:44,004,852, C>A. VCF-style: chr17-44004852-C-A. GRCh37 (hg19) VCF-style: chr17-42082220-C-A.
Other names: short protein forms Y63*.
Identifiers: ClinVar variation 4816902 (VCV004816902.1).

ClinVar aggregate classification (germline): Likely pathogenic (1 of 4 stars; one submission).

Conditions:
Hyperammonemia, type III (NAGSD). Also called: Hyperammonemia due to N-acetylglutamate synthase deficiency. Identifiers: Orphanet 927, MedGen C0268543, MONDO:0009377, OMIM 237310.

Submission:

Natera, Inc.
Classification: Likely pathogenic for Hyperammonemia type III. Last evaluated: 2025-07-28. Review status: criteria provided, single submitter. Criteria: Natera Variant Classification Schema (03/2026). Collection method: clinical testing. Allele origin: germline.
Comment: The c.189C>A variant in NAGS is a nonsense variant predicted to introduce a stop codon at amino acid 63. This variant is expected to result in nonsense mediated decay, truncation, or a dysfunctional protein product. This variant is rare in the general population with a frequency below the threshold expected for the associated phenotype(s). Given the available evidence, this variant is classified as Likely Pathogenic.